The following is an entry in ClinVar:

ClinVar aggregate classification (germline): Uncertain significance (1 of 4 stars; one submission).

Conditions:
Surfactant metabolism dysfunction, pulmonary, 4 (SMDP4). Also called: CSF2RA DEFICIENCY; PAP DUE TO CSF2RA DEFICIENCY; PULMONARY ALVEOLAR PROTEINOSIS, CONGENITAL, 4. Identifiers: Orphanet 264675, MedGen C2677877, MONDO:0010424, OMIM 300770.

Allele frequency attached by ClinVar (database versions not stated): ExAC 0.00001; gnomAD 0.00001 and 0.00003; ESP Exome Variant Server 0.00008.
gnomAD v4.1: 11 of 1,613,674 alleles (0.00068%); highest among the groups gnomAD compares: Middle Eastern, 0.016%; no homozygotes.

Submission:

Labcorp Genetics (formerly Invitae), Labcorp
Classification: Uncertain significance for Surfactant metabolism dysfunction, pulmonary, 4. Last evaluated: 2021-02-02. Review status: criteria provided, single submitter. Criteria: Invitae Variant Classification Sherloc (09022015). Collection method: clinical testing. Allele origin: germline.
Comment: In summary, the available evidence is currently insufficient to determine the role of this variant in disease. Therefore, it has been classified as a Variant of Uncertain Significance. Algorithms developed to predict the effect of missense changes on protein structure and function (SIFT, PolyPhen-2, Align-GVGD) all suggest that this variant is likely to be tolerated, but these predictions have not been confirmed by published functional studies and their clinical significance is uncertain. This variant has not been reported in the literature in individuals with CSF2RA-related conditions. This variant is present in population databases (ExAC 0.002%). This sequence change replaces isoleucine with asparagine at codon 313 of the CSF2RA protein (p.Ile313Asn). The isoleucine residue is weakly conserved and there is a large physicochemical difference between isoleucine and asparagine.

NM_172245.4(CSF2RA):c.938T>A (p.Ile313Asn)

Gene: CSF2RA (colony stimulating factor 2 receptor subunit alpha; plus strand). Cytogenetic location: Xp22.33.
Variant type: single nucleotide variant.
Coding change: c.938T>A on transcript NM_172245.4 (MANE Select); coding-DNA position 938, T replaced by A.
Protein change: p.Ile313Asn; replaces isoleucine 313 with asparagine.
Molecular consequence: missense variant. On other transcripts: intron variant (2).
Genome position (GRCh38, 1-based): chrX:1,300,618, T>A. VCF-style: chrX-1300618-T-A. GRCh37 (hg19) VCF-style: chrX-1419511-T-A.
Other names: c.938T>A, p.Ile313Asn (NM_001161529.2, NM_001161530.2, NM_001161531.2 and 17 more transcripts); c.539T>A, p.Ile180Asn (NM_001161532.2); c.908T>A, p.Ile303Asn (NM_001379160.1); c.647-4828T>A (NM_172249.4); c.854+1553T>A (NM_001379166.1); short protein forms I303N, I180N, I313N.
Identifiers: ClinVar variation 1395536 (VCV001395536.6), dbSNP rs373932512, ClinGen allele CA10331065.
Genomic context (GRCh38, chrX:1,300,618, plus strand): 5'-GTGTGAAGATCAGAGCTGCAGACGTCCGCATCTTGAATTGGAGCTCCTGGAGTGAAGCCA[T>A]TGAATTTGGTAAGCGTTGGGCGGAGGTAAGGGATGTTTGTGCCGTCTGCGGCCACCCTGC-3'
Protein context (NP_758448.1, residues 303-323): ILNWSSWSEA[Ile313Asn]EFGSDDGNLG